The following is an entry in ClinVar:

ClinVar aggregate classification (germline): Uncertain significance (1 of 4 stars; one submission).

Conditions:
Cardiovascular phenotype. Identifiers: MedGen CN230736.

gnomAD v4.1: 1 of 1,530,534 alleles (0.000065%); highest among the groups gnomAD compares: Non-Finnish European, 0.000087%; no homozygotes.

Submission:

Ambry Genetics
Classification: Uncertain significance for Cardiovascular phenotype. Last evaluated: 2025-02-01. Review status: criteria provided, single submitter. Criteria: Ambry Variant Classification Scheme 2023. Collection method: clinical testing. Allele origin: germline.
Comment: The p.P171S variant (also known as c.511C>T), located in coding exon 1 of the HCN4 gene, results from a C to T substitution at nucleotide position 511. The proline at codon 171 is replaced by serine, an amino acid with similar properties. This amino acid position is conserved. In addition, this alteration is predicted to be tolerated by in silico analysis. Based on the available evidence, the clinical significance of this variant remains unclear.

NM_005477.3(HCN4):c.511C>T (p.Pro171Ser)

Gene: HCN4 (hyperpolarization activated cyclic nucleotide gated potassium channel 4; minus strand). Cytogenetic location: 15q24.1.
Variant type: single nucleotide variant.
Coding change: c.511C>T on transcript NM_005477.3 (MANE Select); coding-DNA position 511, C replaced by T.
Protein change: p.Pro171Ser; replaces proline 171 with serine.
Molecular consequence: missense variant.
Genome position (GRCh38, 1-based): chr15:73,367,760, G>A on the plus strand (C>T on the coding strand, the complement: HCN4 is on the minus strand). VCF-style: chr15-73367760-G-A. GRCh37 (hg19) VCF-style: chr15-73660101-G-A.
Other names: short protein forms P171S.
Identifiers: ClinVar variation 3856995 (VCV003856995.1).